The following is an entry in ClinVar:

ClinVar aggregate classification (germline): Uncertain significance. Review status: criteria provided, multiple submitters, no conflicts (2 of 4 stars). 2 submissions from 2 submitters: Uncertain significance (2). Last evaluated 2025-07-23.

Conditions:
Hereditary cancer-predisposing syndrome. Also called: Neoplastic Syndromes, Hereditary; Hereditary Cancer Syndrome; Hereditary neoplastic syndrome; Tumor predisposition. Identifiers: Orphanet 140162, MedGen C0027672, MeSH D009386, MONDO:0015356.
Tumor predisposition syndrome 3 (TPDS3). Also called: Melanoma, cutaneous malignant, susceptibility to, 10; Glioma susceptibility 9; LONG TELOMERE SYNDROME, POT1-RELATED; POT1 Tumor Predisposition. Identifiers: Orphanet 618, MedGen C4014476, MONDO:0014368, OMIM 615848.

Submissions (2):

Labcorp Genetics (formerly Invitae), Labcorp
Classification: Uncertain significance for Tumor predisposition syndrome 3. Last evaluated: 2025-07-23. Review status: criteria provided, single submitter. Criteria: Invitae Variant Classification Sherloc (09022015). Collection method: clinical testing. Allele origin: germline.
Comment: This sequence change replaces valine, which is neutral and non-polar, with glycine, which is neutral and non-polar, at codon 4 of the POT1 protein (p.Val4Gly). This variant is not present in population databases (gnomAD no frequency). This variant has not been reported in the literature in individuals affected with POT1-related conditions. ClinVar contains an entry for this variant (Variation ID: 3308980). An algorithm developed to predict the effect of missense changes on protein structure and function (PolyPhen-2) suggests that this variant is likely to be tolerated. In summary, the available evidence is currently insufficient to determine the role of this variant in disease. Therefore, it has been classified as a Variant of Uncertain Significance.

Ambry Genetics
Classification: Uncertain significance for Hereditary cancer-predisposing syndrome. Last evaluated: 2024-06-07. Review status: criteria provided, single submitter. Criteria: Ambry Variant Classification Scheme 2023. Collection method: clinical testing. Allele origin: germline.
Comment: The p.V4G variant (also known as c.11T>G), located in coding exon 2 of the POT1 gene, results from a T to G substitution at nucleotide position 11. The valine at codon 4 is replaced by glycine, an amino acid with dissimilar properties. This amino acid position is conserved. In addition, this alteration is predicted to be tolerated by in silico analysis. Based on the available evidence, the clinical significance of this variant remains unclear.

NM_015450.3(POT1):c.11T>G (p.Val4Gly)

Gene: POT1 (protection of telomeres 1; minus strand). Cytogenetic location: 7q31.33.
Variant type: single nucleotide variant.
Coding change: c.11T>G on transcript NM_015450.3 (MANE Select); coding-DNA position 11, T replaced by G.
Protein change: p.Val4Gly; replaces valine 4 with glycine.
Molecular consequence: missense variant. On other transcripts: 5 prime UTR variant (1), non-coding transcript variant (3).
Genome position (GRCh38, 1-based): chr7:124,892,379, A>C on the plus strand (T>G on the coding strand, the complement: POT1 is on the minus strand). VCF-style: chr7-124892379-A-C. GRCh37 (hg19) VCF-style: chr7-124532433-A-C.
Other names: c.-252T>G (NM_001042594.2); short protein forms V4G.
Identifiers: ClinVar variation 3308980 (VCV003308980.2).